The following is an entry in ClinVar:

NM_000256.3(MYBPC3):c.3G>A (p.Met1Ile)

Gene: MYBPC3 (myosin binding protein C3; minus strand). Cytogenetic location: 11p11.2.
Variant type: single nucleotide variant.
Coding change: c.3G>A on transcript NM_000256.3 (MANE Select); coding-DNA position 3, G replaced by A.
Protein change: p.Met1Ile; changes the start codon (methionine 1).
Molecular consequence: missense variant, initiator codon variant.
Genome position (GRCh38, 1-based): chr11:47,352,645, C>T on the plus strand (G>A on the coding strand, the complement: MYBPC3 is on the minus strand). VCF-style: chr11-47352645-C-T. GRCh37 (hg19) VCF-style: chr11-47374196-C-T.
Other names: short protein forms M1I.
Identifiers: ClinVar variation 1014860 (VCV001014860.13), dbSNP rs397516045, ClinGen allele CA055236.

ClinVar aggregate classification (germline): Conflicting classifications of pathogenicity. Review status: criteria provided, conflicting classifications (1 of 4 stars). 6 submissions from 6 submitters: Likely pathogenic (2); Uncertain significance (3); VUS-mid (1). Last evaluated 2025-12-12.

Conditions:
Cardiomyopathy (CMYO). Also called: Cardiomyopathies. Identifiers: Orphanet 167848, MedGen C0878544, MONDO:0004994, HP:0001638. Inheritance: Various modes of inheritance.
Hypertrophic cardiomyopathy. Also called: HYPERTROPHIC MYOCARDIOPATHY. Identifiers: Orphanet 217569, MedGen C0007194, MeSH D002312, MONDO:0005045, HP:0001639.
Hypertrophic cardiomyopathy 4. Also called: Familial hypertrophic cardiomyopathy 4. Identifiers: MedGen C1861862, MONDO:0007268, OMIM 115197.
Left ventricular noncompaction 10 (LVNC10). Identifiers: Orphanet 154, Orphanet 54260, MedGen C3715165, MONDO:0014163, OMIM 615396.

Allele frequency attached by ClinVar (database versions not stated): ExAC 0.00001; gnomAD 0.00001; TOPMed 0.00005.

Submissions (6):

Center for Molecular Medicine, Children’s Hospital of Fudan University
Classification: VUS-mid for Left ventricular noncompaction 10. Last evaluated: 2025-12-12. Review status: criteria provided, single submitter. Criteria: ACMG Guidelines 2015. Collection method: clinical testing. Allele origin: paternal. Affected: yes.
Comment: PS4_PP+PM2_PP

Color Diagnostics, LLC DBA Color Health
Classification: Likely pathogenic for Cardiomyopathy. Last evaluated: 2024-05-28. Review status: criteria provided, single submitter. Criteria: ACMG Guidelines, 2015. Collection method: clinical testing. Allele origin: germline.
Comment: This variant results in the loss of the translation initiator methionine at codon 1 in the Ig-like domain C3 of the MYBPC3 protein. This variant is expected to disrupt the expression of the full-length MYBPC3 protein. The next in-frame methionine occurs at codon 103 in the Ig-like domain C0, but it is not known if a functional MYBPC3 protein product can be produced using p.Met103 as an alternative translation start site. To our knowledge, functional studies have not been reported for this variant. This variant has been reported in compound heterozygous state with a truncation variant (p. Ile292Phefs*8) in two siblings affected with hypertrophic cardiomyopathy, and in heterozygous state in their unaffected parent (PMID: 29524613). It has also been reported in one individual affected with dilated cardiomyopathy (PMID: 33996946). Different single nucleotide substitutions (c.3G>C, c.1A>T) that cause the same translation initiation codon Methionine (p.Met1) loss in MYBPC3 have also been reported in individuals affected with hypertrophic cardiomyopathy (PMID: 25611685, 27532257, 30297972; communication with an external laboratory; ClinVar SCV003852942.1, SCV001504154.3), suggesting that disruption of the full length MYBPC3 protein has clinical consequences. Loss of MYBPC3 function is a known mechanism of disease. This variant has been identified in 2/262394 chromosomes in the general population by the Genome Aggregation Database (gnomAD). Based on the available evidence, this variant is classified as Likely Pathogenic.

All of Us Research Program, National Institutes of Health
Classification: Uncertain significance for Hypertrophic cardiomyopathy. Last evaluated: 2023-06-15. Review status: criteria provided, single submitter. Criteria: ACMG Guidelines, 2015. Collection method: clinical testing. Allele origin: germline. Inheritance: Autosomal dominant inheritance. Observed: 1 variant allele, 1 heterozygote.
Comment: This variant results in the loss of the translation initiator methionine at codon 1 of the MYBPC3 protein. This variant is expected to disrupt the expression of the full-length MYBPC3 protein. The next in-frame methionine occurs at codon 103 in the Ig-like domain C0. To our knowledge, functional studies have not been reported for this variant. This variant has been reported in compound heterozygous state with a truncation variant (p. Ile292PhefsTer8) in two siblings affected with hypertrophic cardiomyopathy, and in heterozygous state in their unaffected mother (PMID: 29524613). Different single nucleotide substitutions (c.3G>C, c.1A>T) causing the same initiator codon loss have been reported in two probands affected with hypertrophic cardiomyopathy (PMID: 25611685, 27532257). This variant has been identified in 2/262394 chromosomes in the general population by the Genome Aggregation Database (gnomAD). The available evidence is insufficient to determine the role of this variant in disease conclusively. Therefore, this variant is classified as a Variant of Uncertain Significance.

This study involves interpretation of variants in research participants for the purpose of population health screening. Participant phenotype was not available at the time of variant classification. Additional details can be found in publication PMID: 35346344, PMCID: PMC8962531

GeneDx
Classification: Likely pathogenic. Last evaluated: 2023-03-02. Review status: criteria provided, single submitter. Criteria: GeneDx Variant Classification Process June 2021. Collection method: clinical testing. Allele origin: germline. Affected: yes.
Comment: Observed with a frameshift variant on the opposite allele (in trans) in twin siblings with hypertrophic cardiomyopathy in published literature; the c.3G>A variant was heterozygous in the asymptomatic father with normal echocardiogram (Zhou et al., 2018); Observed in a cohort of patients with sporadic dilated cardiomyopathy, although patient specific clinical information and familial segregation information were not provided (Xiao et al., 2021); Initiation codon variant in a gene for which loss-of-function is a known mechanism of disease; Not observed at significant frequency in large population cohorts (gnomAD); This variant is associated with the following publications: (PMID: 28679633, 29524613, 33996946)

Labcorp Genetics (formerly Invitae), Labcorp
Classification: Uncertain significance for Hypertrophic cardiomyopathy. Last evaluated: 2021-08-27. Review status: criteria provided, single submitter. Criteria: Invitae Variant Classification Sherloc (09022015). Collection method: clinical testing. Allele origin: germline.
Comment: This sequence change affects the initiator methionine of the MYBPC3 mRNA. The next in-frame methionine is located at codon 103. This variant is present in population databases (rs397516045, ExAC 0.01%). Disruption of the initiator codon has been observed in individual(s) with hypertrophic cardiomyopathy (PMID: 25611685, 27532257, 29524613). Experimental studies and prediction algorithms are not available or were not evaluated, and the functional significance of this variant is currently unknown. In summary, the available evidence is currently insufficient to determine the role of this variant in disease. Therefore, it has been classified as a Variant of Uncertain Significance.

Juno Genomics, Hangzhou Juno Genomics, Inc
Classification: Uncertain significance for Left ventricular noncompaction 10; Hypertrophic cardiomyopathy 4. Review status: criteria provided, single submitter. Criteria: ACMG Guidelines, 2015. Collection method: clinical testing. Allele origin: germline.
Comment: Null variant in a gene where loss of function (LOF) is a known mechanism of disease.

Literature cited by the submitters: PubMed 25611685 (cited by 3 submitters); PubMed 27532257 (cited by 3 submitters); PubMed 29524613 (cited by 3 submitters); PubMed 30297972 (cited by Color Diagnostics, LLC DBA Color Health); PubMed 33996946 (cited by Color Diagnostics, LLC DBA Color Health).